The following is an entry in ClinVar:

ClinVar aggregate classification (germline): Uncertain significance (1 of 4 stars; one submission).

Conditions:
Tuberous sclerosis 2 (TSC2). Identifiers: Orphanet 805, MedGen C1860707, MONDO:0013199, OMIM 613254.

Submission:

Labcorp Genetics (formerly Invitae), Labcorp
Classification: Uncertain significance for Tuberous sclerosis 2. Last evaluated: 2022-09-10. Review status: criteria provided, single submitter. Criteria: Invitae Variant Classification Sherloc (09022015). Collection method: clinical testing. Allele origin: germline.
Comment: This sequence change falls in intron 12 of the TSC2 gene. It does not directly change the encoded amino acid sequence of the TSC2 protein. This variant is not present in population databases (gnomAD no frequency). This variant has not been reported in the literature in individuals affected with TSC2-related conditions. Algorithms developed to predict the effect of sequence changes on RNA splicing suggest that this variant may create or strengthen a splice site. In summary, the available evidence is currently insufficient to determine the role of this variant in disease. Therefore, it has been classified as a Variant of Uncertain Significance.

NM_000548.5(TSC2):c.1257+16G>A

Gene: TSC2 (TSC complex subunit 2; plus strand). Cytogenetic location: 16p13.3.
Variant type: single nucleotide variant.
Coding change: c.1257+16G>A on transcript NM_000548.5 (MANE Select); 16 bases into the intron after coding-DNA position 1257, G replaced by A.
Molecular consequence: intron variant.
Genome position (GRCh38, 1-based): chr16:2,062,024, G>A. VCF-style: chr16-2062024-G-A. GRCh37 (hg19) VCF-style: chr16-2112025-G-A.
Other names: c.1257+16G>A (NM_001114382.3, NM_021055.3, NM_001370405.1 and 3 more transcripts); c.1146+16G>A (NM_001318827.2); c.657+16G>A (NM_001318831.2); c.1110+16G>A (NM_001318829.2); c.1290+16G>A (NM_001318832.2).
Identifiers: ClinVar variation 2011396 (VCV002011396.3), dbSNP rs2548539312, ClinGen allele CA2580090742.
Genomic context (GRCh38, chr16:2,062,024, plus strand): 5'-GAGAGATACTTTGAACTGGTGGAGAGATGTGCGGACCAGAGGCCTGTGAGACCCCCTCCT[G>A]GGTGGGGCCTTTGGGCTTTGGCTGGTGGGGAGGGGCCGGGTGCTGGGTGAAGTGCAGCTT-3'